The following is an entry in ClinVar:

ClinVar aggregate classification (germline): Likely pathogenic (1 of 4 stars; one submission).

Conditions:
Cortical dysplasia-focal epilepsy syndrome (PTHSL1). Also called: Pitt-Hopkins-like syndrome 1. Identifiers: Orphanet 163681, Orphanet 221150, MedGen C2750246, MONDO:0012400, OMIM 610042.

Submission:

Labcorp Genetics (formerly Invitae), Labcorp
Classification: Likely pathogenic for Cortical dysplasia-focal epilepsy syndrome. Last evaluated: 2023-08-10. Review status: criteria provided, single submitter. Criteria: Invitae Variant Classification Sherloc (09022015). Collection method: clinical testing. Allele origin: germline.
Comment: In summary, the currently available evidence indicates that the variant is pathogenic, but additional data are needed to prove that conclusively. Therefore, this variant has been classified as Likely Pathogenic. This variant has not been reported in the literature in individuals affected with CNTNAP2-related conditions. This variant results in a copy number gain of the genomic region encompassing exon(s) 3 of the CNTNAP2 gene. While the exact position of this variant cannot be determined from the data, sub-genic copy number gains are generally in tandem (PMID: 25640679). This variant is predicted to be out-of-frame, and may result in an absent or disrupted protein product. Loss-of-function variants in CNTNAP2 are known to be pathogenic (PMID: 19896112, 21827697, 25045150, 26843181, 27439707).

Literature cited by the submitters: PubMed 25640679; PubMed 19896112; PubMed 21827697; PubMed 25045150; PubMed 26843181; PubMed 27439707.

NC_000007.13:g.(?_146536783)_(146537016_?)dup

Gene: CNTNAP2 (contactin associated protein 2; plus strand). Cytogenetic location: 7q35.
Variant type: Duplication.
Identifiers: ClinVar variation 2425901 (VCV002425901.6).